The following is an entry in ClinVar:

ClinVar aggregate classification (germline): Uncertain significance. Review status: criteria provided, multiple submitters, no conflicts (2 of 4 stars). 5 submissions from 5 submitters: Uncertain significance (3). 2 of the submissions do not count toward it. Last evaluated 2025-07-03.

Conditions:
Arrhythmogenic right ventricular cardiomyopathy (ARVD). Also called: Arrhythmogenic cardiomyopathy; Cardiomyopathy, ARVC; Arrhythmogenic right ventricular dysplasia; Arrhythmogenic Right Ventricular Cardiomyopathy (ARVC). Identifiers: Orphanet 247, MedGen C0349788, MeSH D019571, MONDO:0016587. Disease mechanism: loss of function. Inheritance: Various modes of inheritance.
Arrhythmogenic right ventricular dysplasia 9 (ARVD9). Also called: Arrhythmogenic Right Ventricular Dysplasia/Cardiomyopathy 9; ARRHYTHMOGENIC RIGHT VENTRICULAR DYSPLASIA, FAMILIAL, 9. Identifiers: MedGen C1836906, MONDO:0012180, OMIM 609040.
Cardiomyopathy (CMYO). Also called: Cardiomyopathies. Identifiers: Orphanet 167848, MedGen C0878544, MONDO:0004994, HP:0001638. Inheritance: Various modes of inheritance.

Allele frequency attached by ClinVar (database versions not stated): TOPMed below 0.00001; gnomAD exomes 0.00001.
gnomAD v4.1: 21 of 1,614,130 alleles (0.0013%); highest among the groups gnomAD compares: Non-Finnish European, 0.0016%; no homozygotes.

Submissions (5):

Labcorp Genetics (formerly Invitae), Labcorp
Classification: Uncertain significance for Arrhythmogenic right ventricular dysplasia 9. Last evaluated: 2025-07-03. Review status: criteria provided, single submitter. Criteria: Invitae Variant Classification Sherloc (09022015). Collection method: clinical testing. Allele origin: germline.
Comment: This sequence change replaces arginine, which is basic and polar, with glycine, which is neutral and non-polar, at codon 219 of the PKP2 protein (p.Arg219Gly). This variant is not present in population databases (gnomAD no frequency). This variant has not been reported in the literature in individuals affected with PKP2-related conditions. ClinVar contains an entry for this variant (Variation ID: 665132). An algorithm developed to predict the effect of missense changes on protein structure and function (PolyPhen-2) suggests that this variant is likely to be tolerated. In summary, the available evidence is currently insufficient to determine the role of this variant in disease. Therefore, it has been classified as a Variant of Uncertain Significance.

All of Us Research Program, National Institutes of Health
Classification: Uncertain significance for Arrhythmogenic right ventricular cardiomyopathy. Last evaluated: 2024-04-16. Review status: criteria provided, single submitter. Criteria: ACMG Guidelines, 2015. Collection method: clinical testing. Allele origin: germline. Inheritance: Autosomal dominant inheritance. Observed: 1 variant allele, 1 heterozygote.
Comment: This missense variant replaces arginine with glycine at codon 219 of the PKP2 protein. Computational prediction is inconclusive regarding the impact of this variant on protein structure and function (internally defined REVEL score threshold 0.5 < inconclusive < 0.7, PMID: 27666373). Splice site prediction tools suggest that this variant may not impact RNA splicing. To our knowledge, functional studies have not been performed for this variant. This variant has not been reported in individuals affected with cardiovascular disorders in the literature. This variant has not been identified in the general population by the Genome Aggregation Database (gnomAD). The available evidence is insufficient to determine the role of this variant in disease conclusively. Therefore, this variant is classified as a Variant of Uncertain Significance.

This study involves interpretation of variants in research participants for the purpose of population health screening. Participant phenotype was not available at the time of variant classification. Additional details can be found in publication PMID: 35346344, PMCID: PMC8962531

Color Diagnostics, LLC DBA Color Health
Classification: Uncertain significance for Cardiomyopathy. Last evaluated: 2024-04-05. Review status: criteria provided, single submitter. Criteria: ACMG Guidelines, 2015. Collection method: clinical testing. Allele origin: germline.
Comment: This missense variant replaces arginine with glycine at codon 219 of the PKP2 protein. Computational prediction is inconclusive regarding the impact of this variant on protein structure and function (internally defined REVEL score threshold 0.5 < inconclusive < 0.7, PMID: 27666373). To our knowledge, functional studies have not been reported for this variant. This variant has not been reported in individuals affected with PKP2-related disorders in the literature. This variant has not been identified in the general population by the Genome Aggregation Database (gnomAD). The available evidence is insufficient to determine the role of this variant in disease conclusively. Therefore, this variant is classified as a Variant of Uncertain Significance.

Clinical Genetics, Academic Medical Center
Classification: Uncertain significance. Review status: no assertion criteria provided. Collection method: clinical testing. Allele origin: germline. Affected: yes. Study: VKGL Data-share Consensus. Not counted in ClinVar's aggregate classification.

Diagnostic Laboratory, Department of Genetics, University Medical Center Groningen
Classification: Uncertain significance. Review status: no assertion criteria provided. Collection method: clinical testing. Allele origin: germline. Affected: yes. Study: VKGL Data-share Consensus. Not counted in ClinVar's aggregate classification.

NM_001005242.3(PKP2):c.655A>G (p.Arg219Gly)

Gene: PKP2 (plakophilin 2; minus strand). Cytogenetic location: 12p11.21.
Variant type: single nucleotide variant.
Coding change: c.655A>G on transcript NM_001005242.3 (MANE Select); coding-DNA position 655, A replaced by G.
Protein change: p.Arg219Gly; replaces arginine 219 with glycine.
Molecular consequence: missense variant.
Genome position (GRCh38, 1-based): chr12:32,878,225, T>C on the plus strand (A>G on the coding strand, the complement: PKP2 is on the minus strand). VCF-style: chr12-32878225-T-C. GRCh37 (hg19) VCF-style: chr12-33031159-T-C.
Other names: c.655A>G, p.Arg219Gly (NM_004572.4); short protein forms R219G.
Identifiers: ClinVar variation 665132 (VCV000665132.16), dbSNP rs1309098966, ClinGen allele CA384363695.